The following is an entry in ClinVar:

NM_000395.3(CSF2RB):c.229C>T (p.Leu77Phe)

Genes: CSF2RB (colony stimulating factor 2 receptor subunit beta; plus strand), LOC126863140 (BRD4-independent group 4 enhancer GRCh37_chr22:37321546-37322745; plus strand). Cytogenetic location: 22q12.3.
Variant type: single nucleotide variant.
Coding change: c.229C>T on transcript NM_000395.3 (MANE Select); coding-DNA position 229, C replaced by T.
Protein change: p.Leu77Phe; replaces leucine 77 with phenylalanine.
Molecular consequence: missense variant.
Genome position (GRCh38, 1-based): chr22:36,926,015, C>T. VCF-style: chr22-36926015-C-T. GRCh37 (hg19) VCF-style: chr22-37322057-C-T.
Other names: c.229C>T, p.Leu77Phe (NM_001410827.1); short protein forms L77F.
Identifiers: ClinVar variation 3497546 (VCV003497546.3).

ClinVar aggregate classification (germline): Uncertain significance. Review status: criteria provided, multiple submitters, no conflicts (2 of 4 stars). 2 submissions from 2 submitters: Uncertain significance (2). Last evaluated 2025-02-09.

Conditions:
Inborn genetic diseases. Identifiers: MedGen C0950123, MeSH D030342.

Submissions (2):

Labcorp Genetics (formerly Invitae), Labcorp
Classification: Uncertain significance. Last evaluated: 2025-02-09. Review status: criteria provided, single submitter. Criteria: Invitae Variant Classification Sherloc (09022015). Collection method: clinical testing. Allele origin: germline.
Comment: This sequence change replaces leucine, which is neutral and non-polar, with phenylalanine, which is neutral and non-polar, at codon 77 of the CSF2RB protein (p.Leu77Phe). This variant is present in population databases (rs747432440, gnomAD no frequency). This variant has not been reported in the literature in individuals affected with CSF2RB-related conditions. ClinVar contains an entry for this variant (Variation ID: 3497546). Invitae Evidence Modeling of protein sequence and biophysical properties (such as structural, functional, and spatial information, amino acid conservation, physicochemical variation, residue mobility, and thermodynamic stability) indicates that this missense variant is not expected to disrupt CSF2RB protein function with a negative predictive value of 80%. In summary, the available evidence is currently insufficient to determine the role of this variant in disease. Therefore, it has been classified as a Variant of Uncertain Significance.

Ambry Genetics
Classification: Uncertain significance for Inborn genetic diseases. Last evaluated: 2024-11-27. Review status: criteria provided, single submitter. Criteria: Ambry Variant Classification Scheme 2023. Collection method: clinical testing. Allele origin: germline.